The following is an entry in ClinVar:

NM_014363.6(SACS):c.3689TTG[2] (p.Val1232del)

Gene: SACS (sacsin molecular chaperone; minus strand). Cytogenetic location: 13q12.12.
Variant type: Microsatellite.
Coding change: c.3689TTG[2] on transcript NM_014363.6 (MANE Select); two copies in a row of the 3-base unit TTG starting at c.3689; the reference has three copies in a row; one copy, 3 bases deleted.
Protein change: p.Val1232del; deletes valine 1232.
Molecular consequence: inframe deletion.
Genome position (GRCh38, 1-based): chr13:23,340,179-23,340,181, CAA deleted on the plus strand (TTG on the coding strand, the reverse complement: SACS is on the minus strand); deleting any 3 consecutive bases within chr13:23,340,179-23,340,187 gives the same sequence; the position shown is the placement nearest the transcript's 3' end. VCF-style (leftmost placement, unchanged base first): chr13-23340178-TCAA-T. GRCh37 (hg19) VCF-style: chr13-23914317-TCAA-T.
Other names: c.3248TTG[2], p.Val1085del (NM_001278055.2); short protein forms V1232del, V1085del.
Identifiers: ClinVar variation 2126466 (VCV002126466.5), dbSNP rs2542292160, ClinGen allele CA2580614630.

ClinVar aggregate classification (germline): Uncertain significance. Review status: criteria provided, multiple submitters, no conflicts (2 of 4 stars). 2 submissions from 2 submitters: Uncertain significance (2). Last evaluated 2025-06-20.

Conditions:
Spastic paraplegia. Identifiers: MedGen C0037772, HP:0001258.

Submissions (2):

Labcorp Genetics (formerly Invitae), Labcorp
Classification: Uncertain significance for Spastic paraplegia. Last evaluated: 2025-06-20. Review status: criteria provided, single submitter. Criteria: Invitae Variant Classification Sherloc (09022015). Collection method: clinical testing. Allele origin: germline.
Comment: This variant, c.3695_3697del, results in the deletion of 1 amino acid(s) of the SACS protein (p.Val1232del), but otherwise preserves the integrity of the reading frame. This variant is not present in population databases (gnomAD no frequency). This variant has been observed in individual(s) with clinical features of SACS-related conditions (PMID: 35731353). Experimental studies and prediction algorithms are not available or were not evaluated, and the functional significance of this variant is currently unknown. In summary, the available evidence is currently insufficient to determine the role of this variant in disease. Therefore, it has been classified as a Variant of Uncertain Significance.

Blueprint Genetics
Classification: Uncertain significance. Last evaluated: 2023-12-04. Review status: criteria provided, single submitter. Criteria: ACMG Guidelines, 2015. Collection method: clinical testing. Allele origin: germline.

Literature cited by the submitters: PubMed 35731353 (cited by Labcorp Genetics (formerly Invitae), Labcorp).